The following is an entry in ClinVar:

NR_001566.3(TERC):n.38T>A

Genes: TERC (telomerase RNA component; minus strand), LOC110806306 (telomerase RNA component (TERC) promoter; plus strand). Cytogenetic location: 3q26.2.
Variant type: single nucleotide variant.
Genome position: GRCh38 VCF-style: chr3-169765023-A-T. GRCh37 (hg19) VCF-style: chr3-169482811-A-T.
Identifiers: ClinVar variation 1387006 (VCV001387006.9), dbSNP rs1488733250, ClinGen allele CA436715987.
Genomic context (GRCh38, chr3:169,765,023, plus strand): 5'-CAGCGCGCGGGGAGCAAAAGCACGGCGCCTACGCCCTTCTCAGTTAGGGTTAGACAAAAA[A>T]TGGCCACCACCCCTCCCAGGCCCACCCTCCGCAACCCGGTGCGCTGCCGGGCGAGTCGGC-3'

ClinVar aggregate classification (germline): Uncertain significance. Review status: criteria provided, multiple submitters, no conflicts (2 of 4 stars). 2 submissions from 2 submitters: Uncertain significance (2). Last evaluated 2026-07-02.

Conditions:
Dyskeratosis congenita, autosomal dominant 1 (DKCA1). Also called: Dyskeratosis congenita Scoggins type. Identifiers: Orphanet 1775, MedGen C4551974, MONDO:0007485, OMIM 127550. Inheritance: Variable.
TERC-related disorder. Also called: TERC-related condition.

Allele frequency attached by ClinVar (database versions not stated): gnomAD exomes below 0.00001.
gnomAD v4.1: 1 of 765,300 alleles (0.00013%); highest among the groups gnomAD compares: Admixed American, 0.0017%; no homozygotes.

Submissions (2):

PreventionGenetics, part of Exact Sciences
Classification: Uncertain significance for TERC-related condition. Last evaluated: 2026-07-02. Review status: criteria provided, single submitter. Criteria: ACMG Guidelines, 2015. Collection method: clinical testing. Allele origin: germline.
Comment: The TERC n.38T>A is a noncoding alteration. To our knowledge, this variant has not been reported in the literature. This variant is reported in 0.0029% of alleles in individuals of Latino descent in gnomAD. At this time, the clinical significance of this variant is uncertain due to the absence of conclusive functional and genetic evidence.

Labcorp Genetics (formerly Invitae), Labcorp
Classification: Uncertain significance for Dyskeratosis congenita, autosomal dominant 1. Last evaluated: 2022-07-13. Review status: criteria provided, single submitter. Criteria: Invitae Variant Classification Sherloc (09022015). Collection method: clinical testing. Allele origin: germline.
Comment: This variant occurs in the TERC gene, which encodes an RNA molecule that does not result in a protein product. This variant is present in population databases (no rsID available, gnomAD 0.003%). This variant has not been reported in the literature in individuals affected with TERC-related conditions. ClinVar contains an entry for this variant (Variation ID: 1387006). This variant is located within the template/pseudoknot domain of the TERC RNA component, which is required for RNA or RNP stability (PMID: 15082312, 21844345). This variant is located in a region of TERC in which a significant number of disease causing variants have been reported (PMID: 15082312, 21844345, 21931702). These observations suggest that this may be a clinically significant region. In summary, the available evidence is currently insufficient to determine the role of this variant in disease. Therefore, it has been classified as a Variant of Uncertain Significance.

Literature cited by the submitters: PubMed 15082312 (cited by Labcorp Genetics (formerly Invitae), Labcorp); PubMed 21844345 (cited by Labcorp Genetics (formerly Invitae), Labcorp); PubMed 21931702 (cited by Labcorp Genetics (formerly Invitae), Labcorp).